The following is an entry in ClinVar:

ClinVar aggregate classification (germline): Uncertain significance (1 of 4 stars; one submission).

Conditions:
Body skin hyperlaxity due to vitamin K-dependent coagulation factor deficiency (PXECD). Also called: PSEUDOXANTHOMA ELASTICUM-LIKE DISORDER WITH MULTIPLE COAGULATION FACTOR DEFICIENCY; PXE-LIKE DISORDER WITH MULTIPLE COAGULATION FACTOR DEFICIENCY; PXE-like disorder. Identifiers: Orphanet 91135, MedGen C1835813, MONDO:0012570, OMIM 610842.
Vitamin K-dependent clotting factors, combined deficiency of, type 1. Also called: MULTIPLE COAGULATION FACTOR DEFICIENCY III; VITAMIN K-DEPENDENT COAGULATION DEFECT; FACTORS II, VII, IX, AND X, COMBINED DEFICIENCY OF; FAMILIAL MULTIPLE COAGULATION FACTOR DEFICIENCY III; FMFD III; GLUTAMIC ACID, DEFICIENT GAMMA-CARBOXYLATION OF. Identifiers: Orphanet 98434, MedGen C1848534, MONDO:0010187, OMIM 277450.

gnomAD v4.1: 2 of 1,613,986 alleles (0.00012%); highest among the groups gnomAD compares: Non-Finnish European, 0.00017%; no homozygotes.

Submission:

Juno Genomics, Hangzhou Juno Genomics, Inc
Classification: Uncertain significance for Body skin hyperlaxity due to vitamin K-dependent coagulation factor deficiency; Vitamin K-dependent clotting factors, combined deficiency of, type 1. Review status: criteria provided, single submitter. Criteria: ACMG Guidelines, 2015. Collection method: clinical testing. Allele origin: germline.
Comment: Absent from controls (or at extremely low frequency if recessive) in Genome Aggregation Database.;Null variant in a gene where loss of function (LOF) is a known mechanism of disease.

NM_000821.7(GGCX):c.215-1G>C

Gene: GGCX (gamma-glutamyl carboxylase; minus strand). Cytogenetic location: 2p11.2.
Variant type: single nucleotide variant.
Coding change: c.215-1G>C on transcript NM_000821.7 (MANE Select); the canonical splice acceptor site of the intron before coding-DNA position 215, G replaced by C.
Molecular consequence: splice acceptor variant.
Genome position (GRCh38, 1-based): chr2:85,559,076, C>G on the plus strand (G>C on the coding strand, the complement: GGCX is on the minus strand). VCF-style: chr2-85559076-C-G. GRCh37 (hg19) VCF-style: chr2-85786199-C-G.
Other names: c.44-1G>C (NM_001142269.4); c.215-1G>C (NM_001311312.2).
Identifiers: ClinVar variation 5019745 (VCV005019745.2).